The following is an entry in ClinVar:

NM_000789.4(ACE):c.2966A>G (p.Glu989Gly)

Gene: ACE (angiotensin I converting enzyme; plus strand). Cytogenetic location: 17q23.3.
Variant type: single nucleotide variant.
Coding change: c.2966A>G on transcript NM_000789.4 (MANE Select); coding-DNA position 2966, A replaced by G.
Protein change: p.Glu989Gly; replaces glutamic acid 989 with glycine.
Molecular consequence: missense variant. On other transcripts: non-coding transcript variant (1).
Genome position (GRCh38, 1-based): chr17:63,493,489, A>G. VCF-style: chr17-63493489-A-G. GRCh37 (hg19) VCF-style: chr17-61570850-A-G.
Other names: c.1244A>G, p.Glu415Gly (NM_001178057.2, NM_152830.3); c.2399A>G, p.Glu800Gly (NM_001382700.1); c.2114A>G, p.Glu705Gly (NM_001382701.1); c.704A>G, p.Glu235Gly (NM_001382702.1); short protein forms E705G, E800G, E415G, E235G, E989G.
Identifiers: ClinVar variation 4740878 (VCV004740878.1).

ClinVar aggregate classification (germline): Uncertain significance (1 of 4 stars; one submission).

Submission:

Labcorp Genetics (formerly Invitae), Labcorp
Classification: Uncertain significance. Last evaluated: 2025-05-02. Review status: criteria provided, single submitter. Criteria: Invitae Variant Classification Sherloc (09022015). Collection method: clinical testing. Allele origin: germline.
Comment: This sequence change replaces glutamic acid, which is acidic and polar, with glycine, which is neutral and non-polar, at codon 989 of the ACE protein (p.Glu989Gly). This variant is not present in population databases (gnomAD no frequency). This variant has not been reported in the literature in individuals affected with ACE-related conditions. Invitae Evidence Modeling of protein sequence and biophysical properties (such as structural, functional, and spatial information, amino acid conservation, physicochemical variation, residue mobility, and thermodynamic stability) has been performed for this missense variant. However, the output from this modeling did not meet the statistical confidence thresholds required to predict the impact of this variant on ACE protein function. In summary, the available evidence is currently insufficient to determine the role of this variant in disease. Therefore, it has been classified as a Variant of Uncertain Significance.